The following is an entry in ClinVar:

NM_001379500.1(COL18A1):c.107-11922C>T

Gene: COL18A1 (collagen type XVIII alpha 1 chain; plus strand). Cytogenetic location: 21q22.3.
Variant type: single nucleotide variant.
Coding change: c.107-11922C>T on transcript NM_001379500.1 (MANE Select); 11922 bases into the intron before coding-DNA position 107, C replaced by T.
Molecular consequence: intron variant. On other transcripts: synonymous variant (1).
Genome position (GRCh38, 1-based): chr21:45,456,320, C>T. VCF-style: chr21-45456320-C-T. GRCh37 (hg19) VCF-style: chr21-46876234-C-T.
Other names: c.790C>T, p.Leu264= (NM_130444.3); c.646+144C>T (NM_030582.4).
Identifiers: ClinVar variation 4996419 (VCV004996419.1).
Genomic context (GRCh38, chr21:45,456,320, plus strand): 5'-GCCGCAGCCGCTCCCAGCCAGCAGCTCCAACGCCCTGACGTCCGCCTGCGCACGCCACTT[C>T]TGCACCCCCTGGTGATGGGCTCCCTGGGCAAGCACGCGGCCCCCTCCGCCTTCTCCTCTG-3'

ClinVar aggregate classification (germline): Likely benign (1 of 4 stars; one submission).

Conditions:
COL18A1-related disorder. Also called: COL18A1-related condition; COL18A1-related disorders.

gnomAD v4.1: 1 of 1,551,122 alleles (0.000064%); highest among the groups gnomAD compares: African/African-American, 0.0014%; no homozygotes.

Submission:

PreventionGenetics, part of Exact Sciences
Classification: Likely benign for COL18A1-related condition. Last evaluated: 2026-06-05. Review status: criteria provided, single submitter. Criteria: ACMG Guidelines, 2015. Collection method: clinical testing. Allele origin: germline.
Comment: This variant is classified as likely benign based on ACMG/AMP sequence variant interpretation guidelines (Richards et al. 2015 PMID: 25741868, with internal and published modifications).